The following is an entry in ClinVar:

ClinVar aggregate classification (germline): Conflicting classifications of pathogenicity. Review status: criteria provided, conflicting classifications (1 of 4 stars). 3 submissions from 3 submitters: Uncertain significance (1); Benign (1); Likely benign (1). Last evaluated 2025-08-11.

Conditions:
Inborn genetic diseases. Identifiers: MedGen C0950123, MeSH D030342.
Mowat-Wilson syndrome (MOWS). Also called: Classic Mowat-Wilson Syndrome. Identifiers: Orphanet 2152, MedGen C1856113, MONDO:0009341, OMIM 235730.
ZEB2-related disorder. Also called: ZEB2-related condition.

Allele frequency attached by ClinVar (database versions not stated): gnomAD exomes below 0.00001 and 0.00001; ExAC 0.00001; gnomAD 0.00001; TOPMed 0.00003.
gnomAD v4.1: 8 of 1,613,972 alleles (0.0005%); highest among the groups gnomAD compares: Admixed American, 0.0083%; no homozygotes.

Submissions (3):

Labcorp Genetics (formerly Invitae), Labcorp
Classification: Benign for Mowat-Wilson syndrome. Last evaluated: 2025-08-11. Review status: criteria provided, single submitter. Criteria: Invitae Variant Classification Sherloc (09022015). Collection method: clinical testing. Allele origin: germline.

Ambry Genetics
Classification: Likely benign for Inborn genetic diseases. Last evaluated: 2024-10-28. Review status: criteria provided, single submitter. Criteria: Ambry Variant Classification Scheme 2023. Collection method: clinical testing. Allele origin: germline.

PreventionGenetics, part of Exact Sciences
Classification: Uncertain significance for ZEB2-related condition. Last evaluated: 2023-03-29. Review status: criteria provided, single submitter. Criteria: ACMG Guidelines, 2015. Collection method: clinical testing. Allele origin: germline.
Comment: The ZEB2 c.2935A>G variant is predicted to result in the amino acid substitution p.Met979Val. To our knowledge, this variant has not been reported in the literature. This variant is reported in 0.0029% of alleles in individuals of Latino descent in gnomAD. At this time, the clinical significance of this variant is uncertain due to the absence of conclusive functional and genetic evidence.

NM_014795.4(ZEB2):c.2935A>G (p.Met979Val)

Gene: ZEB2 (zinc finger E-box binding homeobox 2; minus strand). Cytogenetic location: 2q22.3.
Variant type: single nucleotide variant.
Coding change: c.2935A>G on transcript NM_014795.4 (MANE Select); coding-DNA position 2935, A replaced by G.
Protein change: p.Met979Val; replaces methionine 979 with valine.
Molecular consequence: missense variant.
Genome position (GRCh38, 1-based): chr2:144,396,544, T>C on the plus strand (A>G on the coding strand, the complement: ZEB2 is on the minus strand). VCF-style: chr2-144396544-T-C. GRCh37 (hg19) VCF-style: chr2-145154111-T-C.
Other names: c.2863A>G, p.Met955Val (NM_001171653.2); short protein forms M955V, M979V.
Identifiers: ClinVar variation 840243 (VCV000840243.12), dbSNP rs777220598, ClinGen allele CA1898171.
Genomic context (GRCh38, chr2:144,396,544, plus strand): 5'-ACATGCCACTCTCTGTCTTCTTGATCTTTTTGCGAGACAGACAGGAGTCGGAGTCTGTCA[T>C]ATCATCTAGGCCTGACATGTAGTCTTGTGCTCCATCAAGCAATTCTCCCTGCGATAGAAT-3'
Protein context (NP_055610.1, residues 969-989): AQDYMSGLDD[Met979Val]TDSDSCLSRK